The following is an entry in ClinVar:

NM_003070.5(SMARCA2):c.3894A>C (p.Glu1298Asp)

Gene: SMARCA2 (SWI/SNF related BAF chromatin remodeling complex subunit ATPase 2; plus strand). Cytogenetic location: 9p24.3.
Variant type: single nucleotide variant.
Coding change: c.3894A>C on transcript NM_003070.5 (MANE Select); coding-DNA position 3894, A replaced by C.
Protein change: p.Glu1298Asp; replaces glutamic acid 1298 with aspartic acid.
Molecular consequence: missense variant.
Genome position (GRCh38, 1-based): chr9:2,123,850, A>C. VCF-style: chr9-2123850-A-C. GRCh37 (hg19) VCF-style: chr9-2123850-A-C.
Other names: c.3894A>C, p.Glu1298Asp (NM_001289396.2, NM_139045.4); c.3720A>C, p.Glu1240Asp (NM_001289397.2); short protein forms E1240D, E1298D.
Identifiers: ClinVar variation 1346417 (VCV001346417.6), dbSNP rs141291951, ClinGen allele CA372790605.
Genomic context (GRCh38, chr9:2,123,850, plus strand): 5'-TGAGCTGCCCTCCTGGATCATTAAGGATGACGCTGAAGTAGAAAGGCTCACCTGTGAAGA[A>C]GAGGAGGAGAAAATATTTGGGAGGGGGTCCCGCCAGCGCCGTGACGTGGACTACAGTGAC-3'
Protein context (NP_003061.3, residues 1288-1308): DAEVERLTCE[Glu1298Asp]EEEKIFGRGS

ClinVar aggregate classification (germline): Uncertain significance (1 of 4 stars; one submission).

gnomAD v4.1: 1 of 1,610,488 alleles (0.000062%); highest among the groups gnomAD compares: Non-Finnish European, 0.000085%; no homozygotes.

Submission:

Labcorp Genetics (formerly Invitae), Labcorp
Classification: Uncertain significance. Last evaluated: 2020-11-12. Review status: criteria provided, single submitter. Criteria: Invitae Variant Classification Sherloc (09022015). Collection method: clinical testing. Allele origin: germline.
Comment: This sequence change replaces glutamic acid with aspartic acid at codon 1298 of the SMARCA2 protein (p.Glu1298Asp). The glutamic acid residue is highly conserved and there is a small physicochemical difference between glutamic acid and aspartic acid. This variant is not present in population databases (ExAC no frequency). This variant has not been reported in the literature in individuals with SMARCA2-related conditions. Advanced modeling of protein sequence and biophysical properties (such as structural, functional, and spatial information, amino acid conservation, physicochemical variation, residue mobility, and thermodynamic stability) performed at Invitae indicates that this missense variant is not expected to disrupt SMARCA2 protein function. In summary, the available evidence is currently insufficient to determine the role of this variant in disease. Therefore, it has been classified as a Variant of Uncertain Significance.